The following is an entry in ClinVar:

ClinVar aggregate classification (germline): Benign. Review status: criteria provided, multiple submitters, no conflicts (2 of 4 stars). 7 submissions from 2 submitters: Benign (7). Last evaluated 2019-04-16.

Conditions:
Choroidal dystrophy, central areolar 2 (CACD2). Also called: MACULAR DYSTROPHY, PROGRESSIVE; Choriodal Dystrophy, Central Areolar 2. Identifiers: Orphanet 75377, MedGen C2751290, MONDO:0013137, OMIM 613105.
Patterned macular dystrophy 1. Also called: BUTTERFLY DYSTROPHY OF RETINAL PIGMENT EPITHELIUM; MACULAR DYSTROPHY, BUTTERFLY-SHAPED PIGMENTARY. Identifiers: Orphanet 99001, MedGen C4551999, MONDO:0008210, OMIM 169150.
Pigmentary retinal dystrophy. Also called: Fundus albipunctatus. Identifiers: Orphanet 227796, Orphanet 52427, MedGen C0311338, MONDO:0007639, OMIM 136880, HP:0030642.
Retinitis pigmentosa (RP). Identifiers: Orphanet 791, MedGen C0035334, MeSH D012174, MONDO:0019200, OMIM 268000. Inheritance: Autosomal dominant, autosomal recessive and X linked inheritance.
Cone-rod dystrophy. Also called: Cone-rod degeneration; Cone/cone-rod dystrophy. Identifiers: Orphanet 1872, MedGen C4085590, MONDO:0015993, HP:0000548.
Adult-onset foveomacular vitelliform dystrophy. Also called: FOVEOMACULAR DYSTROPHY, ADULT-ONSET; FOVEOMACULAR DYSTROPHY, ADULT-ONSET, WITH OR WITHOUT CHOROIDAL NEOVASCULARIZATION; Adult onset vitelliform dystrophy. Identifiers: Orphanet 99000, MedGen C1842914, MONDO:0011979.

Allele frequency attached by ClinVar (database versions not stated): 1000 Genomes Project 0.02476; 1000 Genomes Project 30x 0.02592; gnomAD 0.02609 and 0.02423; TOPMed 0.02729; gnomAD exomes 0.00248.
gnomAD v4.1: 6,512 of 1,262,012 alleles (0.52%); highest among the groups gnomAD compares: African/African-American, 8.7%; 235 homozygotes.

Submissions (7):

GeneDx
Classification: Benign. Last evaluated: 2019-04-16. Review status: criteria provided, single submitter. Criteria: GeneDx Variant Classification Process June 2021. Collection method: clinical testing. Allele origin: germline. Affected: yes.

Illumina Laboratory Services, Illumina
Classification: Benign for Choroidal dystrophy, central areolar 2. Last evaluated: 2018-01-12. Review status: criteria provided, single submitter. Criteria: ICSL Variant Classification Criteria 13 December 2019. Collection method: clinical testing. Allele origin: germline.
Comment: This variant was observed in the ICSL laboratory as part of a predisposition screen in an ostensibly healthy population. It had not been previously curated by ICSL or reported in the Human Gene Mutation Database (HGMD: prior to June 1st, 2018), and was therefore a candidate for classification through an automated scoring system. Utilizing variant allele frequency, disease prevalence and penetrance estimates, and inheritance mode, an automated score was calculated to assess if this variant is too frequent to cause the disease. Based on the score and internal cut-off values, a variant classified as benign is not then subjected to further curation. The score for this variant resulted in a classification of benign for this disease.

Illumina Laboratory Services, Illumina
Classification: Benign for Vitelliform macular dystrophy 3. Last evaluated: 2018-01-12. Review status: criteria provided, single submitter. Criteria: ICSL Variant Classification Criteria 13 December 2019. Collection method: clinical testing. Allele origin: germline.
Comment: the same text as in the submission from Illumina Laboratory Services, Illumina above.

Illumina Laboratory Services, Illumina
Classification: Benign for Pigmentary retinal dystrophy. Last evaluated: 2018-01-12. Review status: criteria provided, single submitter. Criteria: ICSL Variant Classification Criteria 13 December 2019. Collection method: clinical testing. Allele origin: germline.
Comment: the same text as in the submission from Illumina Laboratory Services, Illumina above.

Illumina Laboratory Services, Illumina
Classification: Benign for Cone-rod dystrophy. Last evaluated: 2018-01-12. Review status: criteria provided, single submitter. Criteria: ICSL Variant Classification Criteria 13 December 2019. Collection method: clinical testing. Allele origin: germline.
Comment: the same text as in the submission from Illumina Laboratory Services, Illumina above.

Illumina Laboratory Services, Illumina
Classification: Benign for Retinitis pigmentosa. Last evaluated: 2018-01-12. Review status: criteria provided, single submitter. Criteria: ICSL Variant Classification Criteria 13 December 2019. Collection method: clinical testing. Allele origin: germline.
Comment: the same text as in the submission from Illumina Laboratory Services, Illumina above.

Illumina Laboratory Services, Illumina
Classification: Benign for Patterned macular dystrophy 1. Last evaluated: 2018-01-12. Review status: criteria provided, single submitter. Criteria: ICSL Variant Classification Criteria 13 December 2019. Collection method: clinical testing. Allele origin: germline.
Comment: the same text as in the submission from Illumina Laboratory Services, Illumina above.

NM_000322.5(PRPH2):c.*132C>T

Gene: PRPH2 (peripherin 2; minus strand). Cytogenetic location: 6p21.1.
Variant type: single nucleotide variant.
Coding change: c.*132C>T on transcript NM_000322.5 (MANE Select); 132 bases downstream of the stop codon, C replaced by T.
Molecular consequence: 3 prime UTR variant.
Genome position (GRCh38, 1-based): chr6:42,698,163, G>A on the plus strand (C>T on the coding strand, the complement: PRPH2 is on the minus strand). VCF-style: chr6-42698163-G-A. GRCh37 (hg19) VCF-style: chr6-42665901-G-A.
Identifiers: ClinVar variation 356774 (VCV000356774.6), dbSNP rs77363417, ClinGen allele CA10623957.